The following is an entry in ClinVar:

NM_006019.4(TCIRG1):c.757C>T (p.Arg253Cys)

Gene: TCIRG1 (T cell immune regulator 1, ATPase H+ transporting V0 subunit a3; plus strand). Cytogenetic location: 11q13.2.
Variant type: single nucleotide variant.
Coding change: c.757C>T on transcript NM_006019.4 (MANE Select); coding-DNA position 757, C replaced by T.
Protein change: p.Arg253Cys; replaces arginine 253 with cysteine.
Molecular consequence: missense variant. On other transcripts: 5 prime UTR variant (1).
Genome position (GRCh38, 1-based): chr11:68,043,857, C>T. VCF-style: chr11-68043857-C-T. GRCh37 (hg19) VCF-style: chr11-67811324-C-T.
Other names: c.-138C>T (NM_001351059.2); c.109C>T, p.Arg37Cys (NM_006053.4); c.757C>T (NM_006019.3); short protein forms R37C, R253C.
Identifiers: ClinVar variation 2201880 (VCV002201880.3), dbSNP rs749921928, ClinGen allele CA6146809.

ClinVar aggregate classification (germline): Uncertain significance. Review status: criteria provided, multiple submitters, no conflicts (2 of 4 stars). 2 submissions from 2 submitters: Uncertain significance (2). Last evaluated 2025-09-26.

Conditions:
Inborn genetic diseases. Identifiers: MedGen C0950123, MeSH D030342.

Allele frequency attached by ClinVar (database versions not stated): gnomAD 0.00001; TOPMed 0.00001; ExAC 0.00013.

Submissions (2):

Ambry Genetics
Classification: Uncertain significance for Inborn genetic diseases. Last evaluated: 2025-09-26. Review status: criteria provided, single submitter. Criteria: Ambry Variant Classification Scheme 2023. Collection method: clinical testing. Allele origin: germline.

Labcorp Genetics (formerly Invitae), Labcorp
Classification: Uncertain significance. Last evaluated: 2025-07-22. Review status: criteria provided, single submitter. Criteria: Invitae Variant Classification Sherloc (09022015). Collection method: clinical testing. Allele origin: germline.
Comment: This sequence change replaces arginine, which is basic and polar, with cysteine, which is neutral and slightly polar, at codon 253 of the TCIRG1 protein (p.Arg253Cys). The frequency data for this variant in the population databases is considered unreliable, as metrics indicate poor data quality at this position in the gnomAD database. This variant has not been reported in the literature in individuals affected with TCIRG1-related conditions. ClinVar contains an entry for this variant (Variation ID: 2201880). Invitae Evidence Modeling of protein sequence and biophysical properties (such as structural, functional, and spatial information, amino acid conservation, physicochemical variation, residue mobility, and thermodynamic stability) indicates that this missense variant is not expected to disrupt TCIRG1 protein function with a negative predictive value of 80%. In summary, the available evidence is currently insufficient to determine the role of this variant in disease. Therefore, it has been classified as a Variant of Uncertain Significance.